The following is an entry in ClinVar:

ClinVar aggregate classification (germline): Conflicting classifications of pathogenicity. Review status: criteria provided, conflicting classifications (1 of 4 stars). 7 submissions from 7 submitters: Uncertain significance (1); Benign (1); Likely benign (5). Last evaluated 2025-08-07.

Conditions:
Hereditary cancer-predisposing syndrome. Also called: Tumor predisposition; Hereditary neoplastic syndrome; Neoplastic Syndromes, Hereditary; Hereditary Cancer Syndrome. Identifiers: Orphanet 140162, MedGen C0027672, MeSH D009386, MONDO:0015356.

Allele frequency attached by ClinVar (database versions not stated): gnomAD 0.00001 and 0.00020; TOPMed 0.00004; gnomAD exomes 0.00033; 1000 Genomes Project 0.00100; 1000 Genomes Project 30x 0.00125.
gnomAD v4.1: 505 of 1,613,926 alleles (0.031%); highest among the groups gnomAD compares: South Asian, 0.51%; 11 homozygotes.

Submissions (7):

Labcorp Genetics (formerly Invitae), Labcorp
Classification: Benign for Hereditary cancer-predisposing syndrome. Last evaluated: 2025-08-07. Review status: criteria provided, single submitter. Criteria: Invitae Variant Classification Sherloc (09022015). Collection method: clinical testing. Allele origin: germline.

Quest Diagnostics Nichols Institute San Juan Capistrano
Classification: Likely benign. Last evaluated: 2025-07-02. Review status: criteria provided, single submitter. Criteria: Quest Diagnostics criteria. Collection method: clinical testing. Allele origin: unknown.

CeGaT Center for Human Genetics Tuebingen
Classification: Likely benign. Last evaluated: 2025-06-01. Review status: criteria provided, single submitter. Criteria: CeGaT Center For Human Genetics Tuebingen Variant Classification Criteria Version 2. Collection method: clinical testing. Allele origin: germline. Affected: yes. Observed: 2 variant alleles.
Comment: RAD50: BP4, BS2

Blueprint Genetics
Classification: Likely benign. Last evaluated: 2024-10-07. Review status: criteria provided, single submitter. Criteria: ACMG Guidelines, 2015. Collection method: clinical testing. Allele origin: germline.

Women's Health and Genetics/Laboratory Corporation of America, LabCorp
Classification: Likely benign. Last evaluated: 2024-05-24. Review status: criteria provided, single submitter. Criteria: LabCorp Variant Classification Summary - May 2015. Collection method: clinical testing. Allele origin: germline.

Ambry Genetics
Classification: Likely benign for Hereditary cancer-predisposing syndrome. Last evaluated: 2019-05-10. Review status: criteria provided, single submitter. Criteria: Ambry Variant Classification Scheme 2023. Collection method: clinical testing. Allele origin: germline.

GeneDx
Classification: Uncertain significance. Last evaluated: 2014-01-03. Review status: criteria provided, single submitter. Criteria: GeneDx Variant Classification (06012015). Collection method: clinical testing. Allele origin: germline. Affected: yes.
Comment: RAD50 has been only recently described in association with cancer predisposition and the risks are not well understood. This variant is denoted RAD50 c.2651G>A at the cDNA level and p.Arg884His (R884H) at the protein level, and results in the change of an Arginine to a Histidine (CGT>CAT). This variant was not observed in approximately 6,500 individuals of European and African American ancestry in the NHLBI Exome Sequencing Project, indicating it is not a common, benign variant in these populations. This variant is a conservative substitution of one positive, polar amino acid for another, altering a position that is moderately conserved throughout evolution and is within a coil domain. In silico analyses are inconsistent with regard to the effect this variant may have on protein structure and function. On a molecular level, the impact of this missense variant on protein structure and function is not known and thus we consider this to be a variant of uncertain significance. Furthermore, based on the currently available information, cancer risks associated with this variant, and the RAD50 gene, remain unclear.

Literature cited by the submitters: PubMed 35534704 (cited by Quest Diagnostics Nichols Institute San Juan Capistrano); PubMed 33471991 (cited by Quest Diagnostics Nichols Institute San Juan Capistrano); PubMed 12376507 (cited by Quest Diagnostics Nichols Institute San Juan Capistrano and Ambry Genetics); PubMed 32994724 (cited by Quest Diagnostics Nichols Institute San Juan Capistrano); PubMed 12023982 (cited by Quest Diagnostics Nichols Institute San Juan Capistrano).

NM_005732.4(RAD50):c.2651G>A (p.Arg884His)

Gene: RAD50 (RAD50 double strand break repair protein; plus strand). Cytogenetic location: 5q31.1.
Variant type: single nucleotide variant.
Coding change: c.2651G>A on transcript NM_005732.4 (MANE Select); coding-DNA position 2651, G replaced by A.
Protein change: p.Arg884His; replaces arginine 884 with histidine.
Molecular consequence: missense variant.
Genome position (GRCh38, 1-based): chr5:132,604,932, G>A. VCF-style: chr5-132604932-G-A. GRCh37 (hg19) VCF-style: chr5-131940624-G-A.
Other names: p.R884H:CGT>CAT; short protein forms R884H.
Identifiers: ClinVar variation 128009 (VCV000128009.35), dbSNP rs558302979, ClinGen allele CA331877.